The following is an entry in ClinVar:

ClinVar aggregate classification (germline): Uncertain significance (1 of 4 stars; one submission).

Submission:

Labcorp Genetics (formerly Invitae), Labcorp
Classification: Uncertain significance. Last evaluated: 2023-06-07. Review status: criteria provided, single submitter. Criteria: Invitae Variant Classification Sherloc (09022015). Collection method: clinical testing. Allele origin: germline.
Comment: This variant is not present in population databases (gnomAD no frequency). This variant has not been reported in the literature in individuals affected with FN1-related conditions. ClinVar contains an entry for this variant (Variation ID: 1373068). An algorithm developed to predict the effect of missense changes on protein structure and function (PolyPhen-2) suggests that this variant is likely to be disruptive. In summary, the available evidence is currently insufficient to determine the role of this variant in disease. Therefore, it has been classified as a Variant of Uncertain Significance. This sequence change replaces leucine, which is neutral and non-polar, with serine, which is neutral and polar, at codon 2102 of the FN1 protein (p.Leu2102Ser).

NM_212482.4(FN1):c.6305T>C (p.Leu2102Ser)

Gene: FN1 (fibronectin 1; minus strand). Cytogenetic location: 2q35.
Variant type: single nucleotide variant.
Coding change: c.6305T>C on transcript NM_212482.4 (MANE Select); coding-DNA position 6305, T replaced by C.
Protein change: p.Leu2102Ser; replaces leucine 2102 with serine.
Molecular consequence: missense variant. On other transcripts: intron variant (9).
Genome position (GRCh38, 1-based): chr2:215,372,318, A>G on the plus strand (T>C on the coding strand, the complement: FN1 is on the minus strand). VCF-style: chr2-215372318-A-G. GRCh37 (hg19) VCF-style: chr2-216237041-A-G.
Other names: c.6305T>C, p.Leu2102Ser (NM_001306129.2); c.5762T>C, p.Leu1921Ser (NM_001306131.2, NM_212476.3); c.6035T>C, p.Leu2012Ser (NM_001365517.2, NM_001365521.2); c.6032T>C, p.Leu2011Ser (NM_001365518.2, NM_002026.4); c.5705-303T>C (NM_212474.3); c.5705-18T>C (NM_001306132.2, NM_001365523.2); c.5975-303T>C (NM_001365524.2); c.5975-18T>C (NM_212478.3, NM_001365520.2); and 2 more; short protein forms L2011S, L2012S, L2102S, L1921S.
Identifiers: ClinVar variation 1373068 (VCV001373068.6), dbSNP rs2106250153, ClinGen allele CA350467719.